The following is an entry in ClinVar:

NM_001128840.3(CACNA1D):c.2509C>T (p.Pro837Ser)

Gene: CACNA1D (calcium voltage-gated channel subunit alpha1 D; plus strand). Cytogenetic location: 3p21.1.
Variant type: single nucleotide variant.
Coding change: c.2509C>T on transcript NM_001128840.3 (MANE Select); coding-DNA position 2509, C replaced by T.
Protein change: p.Pro837Ser; replaces proline 837 with serine.
Molecular consequence: missense variant.
Genome position (GRCh38, 1-based): chr3:53,732,850, C>T. VCF-style: chr3-53732850-C-T. GRCh37 (hg19) VCF-style: chr3-53766877-C-T.
Other names: c.2569C>T, p.Pro857Ser (NM_000720.4); c.2509C>T, p.Pro837Ser (NM_001128839.3); short protein forms P837S, P857S.
Identifiers: ClinVar variation 1502374 (VCV001502374.5), dbSNP rs768629978, ClinGen allele CA353241478.
Genomic context (GRCh38, chr3:53,732,850, plus strand): 5'-TATAAAAAAAGTATTTCATTTAAAGTAGGGGAAGAGGAAGAGGAAGAGGAGGAGGATGAA[C>T]CTGAGGTTCCTGCCGGACCCCGTCCTCGAAGGATCTCGGAGTTGAACATGAAGGAAAAAA-3'
Protein context (NP_001122312.1, residues 827-847): EEEEEEEEDE[Pro837Ser]EVPAGPRPRR

ClinVar aggregate classification (germline): Uncertain significance (1 of 4 stars; one submission).

Allele frequency attached by ClinVar (database versions not stated): TOPMed 0.00001.
gnomAD v4.1: 1 of 1,613,756 alleles (0.000062%); highest among the groups gnomAD compares: Admixed American, 0.0017%; no homozygotes.

Submission:

Labcorp Genetics (formerly Invitae), Labcorp
Classification: Uncertain significance. Last evaluated: 2021-12-01. Review status: criteria provided, single submitter. Criteria: Invitae Variant Classification Sherloc (09022015). Collection method: clinical testing. Allele origin: germline.
Comment: This variant is present in population databases (no rsID available, gnomAD 0.003%). In summary, the available evidence is currently insufficient to determine the role of this variant in disease. Therefore, it has been classified as a Variant of Uncertain Significance. Algorithms developed to predict the effect of missense changes on protein structure and function are either unavailable or do not agree on the potential impact of this missense change (SIFT: "Tolerated"; PolyPhen-2: "Probably Damaging"; Align-GVGD: "Class C0"). This variant has not been reported in the literature in individuals affected with CACNA1D-related conditions. This sequence change replaces proline, which is neutral and non-polar, with serine, which is neutral and polar, at codon 857 of the CACNA1D protein (p.Pro857Ser).